The following is an entry in ClinVar:

ClinVar aggregate classification (germline): Likely benign (1 of 4 stars; one submission).

Submission:

Mayo Clinic Laboratories, Mayo Clinic
Classification: Likely benign. Last evaluated: 2025-11-26. Review status: criteria provided, single submitter. Criteria: ACMG Guidelines, 2015. Collection method: clinical testing. Allele origin: germline. Observed: 1 variant allele.
Comment: BP4, BP7

NM_000387.6(SLC25A20):c.264G>A (p.Val88=)

Gene: SLC25A20 (solute carrier family 25 member 20; minus strand). Cytogenetic location: 3p21.31.
Variant type: single nucleotide variant.
Coding change: c.264G>A on transcript NM_000387.6 (MANE Select); coding-DNA position 264, G replaced by A.
Protein change: p.Val88=; no amino-acid change (valine 88 retained).
Molecular consequence: synonymous variant.
Genome position (GRCh38, 1-based): chr3:48,884,059, C>T on the plus strand (G>A on the coding strand, the complement: SLC25A20 is on the minus strand). VCF-style: chr3-48884059-C-T. GRCh37 (hg19) VCF-style: chr3-48921492-C-T.
Other names: p.Val88=.
Identifiers: ClinVar variation 4684701 (VCV004684701.1).
Genomic context (GRCh38, chr3:48,884,059, plus strand): 5'-GAGCACATCTTCTGGGTGTTTCTGTTGTAGTTTCTTCCCCAAACCAAACCCAAAGAAGCA[C>T]ACGGCAAACATGGGAGTGACCCCGATGATAGGGGCAGCCATTCCCCGATATAGCCCCGTG-3'
Protein context (NP_000378.1, residues 78-98): PIIGVTPMFA[Val88=]CFFGFGLGKK